The following is an entry in ClinVar:

ClinVar aggregate classification (germline): Benign/Likely benign. Review status: criteria provided, multiple submitters, no conflicts (2 of 4 stars). 9 submissions from 9 submitters: Benign (4); Likely benign (5). Last evaluated 2026-09-01.

Conditions:
Hereditary pulmonary alveolar proteinosis. Also called: Pulmonary surfactant metabolism dysfunction. Identifiers: Orphanet 264675, MedGen C3711368, MONDO:0012580.
Surfactant metabolism dysfunction, pulmonary, 2 (SMDP2). Also called: DESQUAMATIVE INTERSTITIAL PNEUMONITIS DUE TO SURFACTANT PROTEIN C DEFICIENCY; INTERSTITIAL LUNG DISEASE DUE TO SURFACTANT PROTEIN C DEFICIENCY; PULMONARY ALVEOLAR PROTEINOSIS, CONGENITAL, 2. Identifiers: Orphanet 440392, MedGen C1970470, MONDO:0024465, OMIM 610913.

Allele frequency attached by ClinVar (database versions not stated): gnomAD 0.00801 and 0.00861; 1000 Genomes Project 30x 0.00859; TOPMed 0.00938; ESP Exome Variant Server 0.00878; ExAC 0.00243; 1000 Genomes Project 0.00859.
gnomAD v4.1: 2,696 of 1,613,436 alleles (0.17%); highest among the groups gnomAD compares: African/African-American, 2.8%; 30 homozygotes.

Submissions (9):

CeGaT Center for Human Genetics Tuebingen
Classification: Benign. Last evaluated: 2026-09-01. Review status: criteria provided, single submitter. Criteria: CeGaT Center For Human Genetics Tuebingen Variant Classification Criteria Version 2. Collection method: clinical testing. Allele origin: germline. Affected: yes. Observed: 2 variant alleles.
Comment: SFTPC: BP4, BS1, BS2

Labcorp Genetics (formerly Invitae), Labcorp
Classification: Benign. Last evaluated: 2026-01-15. Review status: criteria provided, single submitter. Criteria: Invitae Variant Classification Sherloc (09022015). Collection method: clinical testing. Allele origin: germline.

Blueprint Genetics
Classification: Likely benign. Last evaluated: 2024-11-13. Review status: criteria provided, single submitter. Criteria: ACMG Guidelines, 2015. Collection method: clinical testing. Allele origin: germline.

Johns Hopkins Genomics, Johns Hopkins University
Classification: Benign for Surfactant metabolism dysfunction, pulmonary, 2. Last evaluated: 2019-09-30. Review status: criteria provided, single submitter. Criteria: ACMG Guidelines, 2015. Collection method: clinical testing. Allele origin: germline.

GeneDx
Classification: Likely benign. Last evaluated: 2018-07-14. Review status: criteria provided, single submitter. Criteria: GeneDx Variant Classification Process June 2021. Collection method: clinical testing. Allele origin: germline. Affected: yes.
Comment: See Variant Classification Assertion Criteria.

Eurofins Ntd Llc (ga)
Classification: Likely benign. Last evaluated: 2018-04-02. Review status: criteria provided, single submitter. Criteria: EGL ClinVar v180209 classification definitions. Collection method: clinical testing. Allele origin: germline. Observed: 1 variant allele, 1 heterozygote.

Illumina Laboratory Services, Illumina
Classification: Likely benign for Surfactant metabolism dysfunction, pulmonary, 2. Last evaluated: 2017-04-27. Review status: criteria provided, single submitter. Criteria: ICSL Variant Classification Criteria 13 December 2019. Collection method: clinical testing. Allele origin: germline.
Comment: This variant was observed as part of a predisposition screen in an ostensibly healthy population. A literature search was performed for the gene, cDNA change, and amino acid change (where applicable). No publications were found based on this search. Allele frequency data from public databases allowed determination this variant is unlikely to cause disease. Therefore, this variant is classified as likely benign.

Ambry Genetics
Classification: Benign for Hereditary pulmonary alveolar proteinosis. Last evaluated: 2014-06-27. Review status: criteria provided, single submitter. Criteria: Ambry Variant Classification Scheme 2023. Collection method: clinical testing. Allele origin: germline.

Breakthrough Genomics
Classification: Likely benign. Review status: criteria provided, single submitter. Criteria: ACMG Guidelines, 2015. Collection method: not provided. Allele origin: germline. Inheritance: Autosomal dominant inheritance. Affected: yes.

NM_001317778.2(SFTPC):c.43-7G>A

Gene: SFTPC (surfactant protein C; plus strand). Cytogenetic location: 8p21.3.
Variant type: single nucleotide variant.
Coding change: c.43-7G>A on transcript NM_001317778.2 (MANE Select); 7 bases into the intron before coding-DNA position 43, G replaced by A.
Molecular consequence: intron variant.
Genome position (GRCh38, 1-based): chr8:22,162,567, G>A. VCF-style: chr8-22162567-G-A. GRCh37 (hg19) VCF-style: chr8-22020080-G-A.
Other names: c.43-7G>A (NM_003018.4, NM_001172410.2, NM_001172357.2 and 1 more transcripts); c.43-513G>A (NM_001317779.2).
Identifiers: ClinVar variation 362552 (VCV000362552.37), dbSNP rs79440568, ClinGen allele CA4663883.
Genomic context (GRCh38, chr8:22,162,567, plus strand): 5'-GTATAGGGAGAAGAGGGGACAGCCTCATGACCTCATGCCTGTCTCCTTGCCTGCCCCACC[G>A]TGTCAGGACTACTCCGCAGCTCCCCGGGGCCGATTTGGCATTCCCTGCTGCCCAGTGCAC-3'